The following is an entry in ClinVar:

ClinVar aggregate classification (germline): Uncertain significance. Review status: criteria provided, multiple submitters, no conflicts (2 of 4 stars). 2 submissions from 2 submitters: Uncertain significance (2). Last evaluated 2024-08-01.

gnomAD v4.1: 3 of 1,550,018 alleles (0.00019%); highest among the groups gnomAD compares: East Asian, 0.0049%; no homozygotes.

Submissions (2):

Mayo Clinic Laboratories, Mayo Clinic
Classification: Uncertain significance. Last evaluated: 2024-08-01. Review status: criteria provided, single submitter. Criteria: ACMG Guidelines, 2015. Collection method: clinical testing. Allele origin: germline. Observed: 1 variant allele.
Comment: PM2

Blueprint Genetics
Classification: Uncertain significance. Last evaluated: 2023-09-21. Review status: criteria provided, single submitter. Criteria: ACMG Guidelines, 2015. Collection method: clinical testing. Allele origin: germline.

Literature cited by the submitters: PubMed 29396846 (cited by Mayo Clinic Laboratories, Mayo Clinic); PubMed 30187933 (cited by Mayo Clinic Laboratories, Mayo Clinic); PubMed 32641076 (cited by Mayo Clinic Laboratories, Mayo Clinic).

NM_001142864.4(PIEZO1):c.1369C>T (p.Arg457Cys)

Genes: HSALR1 (HSP90AB1 associated lncRNA 1; plus strand), PIEZO1 (piezo type mechanosensitive ion channel component 1 (Er blood group); minus strand). Cytogenetic location: 16q24.3.
Variant type: single nucleotide variant.
Coding change: c.1369C>T on transcript NM_001142864.4 (MANE Select); coding-DNA position 1369, C replaced by T.
Protein change: p.Arg457Cys; replaces arginine 457 with cysteine.
Molecular consequence: missense variant.
Genome position (GRCh38, 1-based): chr16:88,736,336, G>A on the plus strand (C>T on the coding strand, the complement: PIEZO1 is on the minus strand). VCF-style: chr16-88736336-G-A. GRCh37 (hg19) VCF-style: chr16-88802744-G-A.
Other names: p.Arg457Cys; short protein forms R457C.
Identifiers: ClinVar variation 3380436 (VCV003380436.2).